The following is an entry in ClinVar:

NM_020975.6(RET):c.2506A>T (p.Ser836Cys)

Gene: RET (ret proto-oncogene; plus strand). Cytogenetic location: 10q11.21.
Variant type: single nucleotide variant.
Coding change: c.2506A>T on transcript NM_020975.6 (MANE Select); coding-DNA position 2506, A replaced by T.
Protein change: p.Ser836Cys; replaces serine 836 with cysteine.
Molecular consequence: missense variant.
Genome position (GRCh38, 1-based): chr10:43,119,644, A>T. VCF-style: chr10-43119644-A-T. GRCh37 (hg19) VCF-style: chr10-43615092-A-T.
Other names: c.2371A>T, p.Ser791Cys (NM_001406765.1, NM_001406763.1); c.2218A>T, p.Ser740Cys (NM_001406766.1, NM_001406767.1, NM_001406770.1); c.2242A>T, p.Ser748Cys (NM_001406768.1); c.2110A>T, p.Ser704Cys (NM_001406769.1, NM_001406772.1); c.2068A>T, p.Ser690Cys (NM_001406771.1, NM_001406773.1); c.1516A>T, p.Ser506Cys (NM_001406784.1); c.1489A>T, p.Ser497Cys (NM_001406785.1); c.1480A>T, p.Ser494Cys (NM_001406786.1, NM_001406783.1); and 10 more; short protein forms S353C, S401C, S441C, S492C, S494C, S497C, S506C, S537C.
Identifiers: ClinVar variation 4863255 (VCV004863255.1).

ClinVar aggregate classification (germline): Uncertain significance (1 of 4 stars; one submission).

Conditions:
Hereditary cancer-predisposing syndrome. Also called: Neoplastic Syndromes, Hereditary; Tumor predisposition; Hereditary Cancer Syndrome; Hereditary neoplastic syndrome. Identifiers: Orphanet 140162, MedGen C0027672, MeSH D009386, MONDO:0015356.

Submission:

Ambry Genetics
Classification: Uncertain significance for Hereditary cancer-predisposing syndrome. Last evaluated: 2026-04-05. Review status: criteria provided, single submitter. Criteria: Ambry Variant Classification Scheme 2023. Collection method: clinical testing. Allele origin: germline.
Comment: The p.S836C variant (also known as c.2506A>T), located in coding exon 14 of the RET gene, results from an A to T substitution at nucleotide position 2506. The serine at codon 836 is replaced by cysteine, an amino acid with dissimilar properties. This amino acid position is conserved. In addition, the in silico prediction for this alteration is inconclusive. Based on the available evidence, the clinical significance of this variant remains unclear.